The following is an entry in ClinVar:

ClinVar aggregate classification (germline): Uncertain significance (1 of 4 stars; one submission).

Submission:

GeneDx
Classification: Uncertain significance. Last evaluated: 2022-03-22. Review status: criteria provided, single submitter. Criteria: GeneDx Variant Classification Process June 2021. Collection method: clinical testing. Allele origin: germline. Affected: yes.
Comment: Not observed at significant frequency in large population cohorts (gnomAD); Canonical splice site variant in a gene or region of a gene for which loss of function is not a well-established mechanism of disease; Has not been previously published as pathogenic or benign to our knowledge; Variants in candidate genes are classified as variants of uncertain significance in accordance with ACMG guidelines (Richards et al., 2015)

NM_004446.3(EPRS1):c.4084-1G>A

Gene: EPRS1 (glutamyl-prolyl-tRNA synthetase 1; minus strand). Cytogenetic location: 1q41.
Variant type: single nucleotide variant.
Coding change: c.4084-1G>A on transcript NM_004446.3 (MANE Select); the canonical splice acceptor site of the intron before coding-DNA position 4084, G replaced by A.
Molecular consequence: splice acceptor variant.
Genome position (GRCh38, 1-based): chr1:219,973,399, C>T on the plus strand (G>A on the coding strand, the complement: EPRS1 is on the minus strand). VCF-style: chr1-219973399-C-T. GRCh37 (hg19) VCF-style: chr1-220146741-C-T.
Identifiers: ClinVar variation 3342466 (VCV003342466.1).